The following is an entry in ClinVar:

ClinVar aggregate classification (germline): Uncertain significance. Review status: criteria provided, multiple submitters, no conflicts (2 of 4 stars). 3 submissions from 3 submitters: Uncertain significance (3). Last evaluated 2023-04-11.

Conditions:
Microcephaly 5, primary, autosomal recessive (MCPH5). Also called: ASPM Primary Microcephaly. Identifiers: Orphanet 2512, MedGen C1837501, MONDO:0012106, OMIM 608716.

Allele frequency attached by ClinVar (database versions not stated): gnomAD exomes below 0.00001; ExAC 0.00001; gnomAD 0.00001; TOPMed 0.00001.
gnomAD v4.1: 31 of 1,605,414 alleles (0.0019%); highest among the groups gnomAD compares: Non-Finnish European, 0.0026%; no homozygotes.

Submissions (3):

Genome-Nilou Lab
Classification: Uncertain significance for Microcephaly 5, primary, autosomal recessive. Last evaluated: 2023-04-11. Review status: criteria provided, single submitter. Criteria: ACMG Guidelines, 2015. Collection method: clinical testing. Allele origin: germline. Affected: no.

Labcorp Genetics (formerly Invitae), Labcorp
Classification: Uncertain significance. Last evaluated: 2022-08-13. Review status: criteria provided, single submitter. Criteria: Invitae Variant Classification Sherloc (09022015). Collection method: clinical testing. Allele origin: germline.
Comment: This sequence change replaces tyrosine, which is neutral and polar, with histidine, which is basic and polar, at codon 2946 of the ASPM protein (p.Tyr2946His). This variant is present in population databases (rs776868381, gnomAD 0.0009%). This variant has not been reported in the literature in individuals affected with ASPM-related conditions. ClinVar contains an entry for this variant (Variation ID: 1309538). Algorithms developed to predict the effect of missense changes on protein structure and function output the following: SIFT: "Tolerated"; PolyPhen-2: "Benign"; Align-GVGD: "Class C0". The histidine amino acid residue is found in multiple mammalian species, which suggests that this missense change does not adversely affect protein function. In summary, the available evidence is currently insufficient to determine the role of this variant in disease. Therefore, it has been classified as a Variant of Uncertain Significance.

GeneDx
Classification: Uncertain significance. Last evaluated: 2019-10-23. Review status: criteria provided, single submitter. Criteria: GeneDx Variant Classification Process June 2021. Collection method: clinical testing. Allele origin: germline. Affected: yes.
Comment: Not observed at a significant frequency in large population cohorts (Lek et al., 2016); In silico analysis, which includes protein predictors and evolutionary conservation, supports that this variant does not alter protein structure/function; Has not been previously published as pathogenic or benign to our knowledge

NM_018136.5(ASPM):c.8836T>C (p.Tyr2946His)

Gene: ASPM (assembly factor for spindle microtubules; minus strand). Cytogenetic location: 1q31.3.
Variant type: single nucleotide variant.
Coding change: c.8836T>C on transcript NM_018136.5 (MANE Select); coding-DNA position 8836, T replaced by C.
Protein change: p.Tyr2946His; replaces tyrosine 2946 with histidine.
Molecular consequence: missense variant.
Genome position (GRCh38, 1-based): chr1:197,096,149, A>G on the plus strand (T>C on the coding strand, the complement: ASPM is on the minus strand). VCF-style: chr1-197096149-A-G. GRCh37 (hg19) VCF-style: chr1-197065279-A-G.
Other names: c.4081T>C, p.Tyr1361His (NM_001206846.2); short protein forms Y1361H, Y2946H.
Identifiers: ClinVar variation 1309538 (VCV001309538.5), dbSNP rs776868381, ClinGen allele CA1309121.
Genomic context (GRCh38, chr1:197,096,149, plus strand): 5'-TATACCAGGCTTGAATCTTGCAGGCAGCTTTCACTTTACATAAATATTTCTTGGCTCTAT[A>G]TCTCCTCCACATAGCCTATTAAATACATAAATATAACAAGTATGCAATGAGTTGTCTCTT-3'
Protein context (NP_060606.3, residues 2936-2956): TIKIQAMWRR[Tyr2946His]RAKKYLCKVK